The following is an entry in ClinVar:

NM_001372053.1(ANKRD31):c.1184_1187del (p.Val395fs)

Gene: ANKRD31 (ankyrin repeat domain 31; minus strand). Cytogenetic location: 5q13.3.
Variant type: Deletion.
Coding change: c.1184_1187del on transcript NM_001372053.1 (MANE Select); coding-DNA positions 1184 to 1187, 4 bases deleted (TAAG; older notation c.1184_1187delTAAG).
Protein change: p.Val395fs; shifts the reading frame from valine 395.
Molecular consequence: frameshift variant.
Genome position (GRCh38, 1-based): chr5:75,193,422-75,193,425, CTTA deleted on the plus strand (TAAG on the coding strand, the reverse complement: ANKRD31 is on the minus strand); deleting any 4 consecutive bases within chr5:75,193,422-75,193,428 gives the same sequence; the c. name uses the placement nearest the transcript's 3' end. VCF-style (leftmost placement, unchanged base first): chr5-75193421-GCTTA-G. GRCh37 (hg19) VCF-style: chr5-74489246-GCTTA-G.
Other names: c.1184_1187del, p.Val395fs (NM_001164443.1); c.1184_1187delTAAG (NM_001372053.1); short protein forms V395fs.
Identifiers: ClinVar variation 3773785 (VCV003773785.1).

ClinVar aggregate classification (germline): Likely pathogenic (1 of 4 stars; one submission).

Conditions:
Inherited primary ovarian failure. Identifiers: Orphanet 95710, MedGen C2930861, MONDO:0019852.

Submission:

Molecular Genetics, Royal Melbourne Hospital
Classification: Likely pathogenic for Inherited primary ovarian failure. Last evaluated: 2024-05-02. Review status: criteria provided, single submitter. Criteria: ACMG Guidelines, 2015. Collection method: clinical testing. Allele origin: germline. Inheritance: Autosomal dominant inheritance. Affected: yes.
Comment: This sequence change in ANKRD31 is a frameshift variant predicted to cause a premature stop codon, p.(Val395Alafs*27), in biologically relevant exon 8/25 leading to nonsense-mediated decay in a gene in which loss-of-function is an established disease mechanism (PMID: 34257419, 31003867). The highest population minor allele frequency in the population database gnomAD v4.0 is 0.003% (31/1,146,772 alleles) in the European (non-Finnish) population, which is consistent with the prevalence of premature ovarian failure. To our knowledge, this variant has not been previously reported in the relevant scientific literature or databases. Based on the classification scheme RMH Modified ACMG/AMP Guidelines v1.6.1, this variant is classified as LIKELY PATHOGENIC. Following criteria are met: PVS1, PM2_Supporting.

Literature cited by the submitters: PubMed 31003867; PubMed 34257419.